The following is an entry in ClinVar:

NM_006790.3(MYOT):c.1289G>C (p.Gly430Ala)

Genes: PKD2L2-DT (PKD2L2 divergent transcript; minus strand), MYOT (myotilin; plus strand). Cytogenetic location: 5q31.2.
Variant type: single nucleotide variant.
Coding change: c.1289G>C on transcript NM_006790.3 (MANE Select); coding-DNA position 1289, G replaced by C.
Protein change: p.Gly430Ala; replaces glycine 430 with alanine.
Molecular consequence: missense variant.
Genome position (GRCh38, 1-based): chr5:137,886,962, G>C. VCF-style: chr5-137886962-G-C. GRCh37 (hg19) VCF-style: chr5-137222651-G-C.
Other names: c.737G>C, p.Gly246Ala (NM_001135940.2); c.944G>C, p.Gly315Ala (NM_001300911.2); short protein forms G315A, G246A, G430A.
Identifiers: ClinVar variation 4741702 (VCV004741702.1).

ClinVar aggregate classification (germline): Uncertain significance (1 of 4 stars; one submission).

Conditions:
Myofibrillar myopathy 3 (MFM3). Also called: Muscular dystrophy, proximal, type 1A; Autosomal dominant spheroid body myopathy. Identifiers: Orphanet 266, Orphanet 268129, MedGen C3714934, MONDO:0012215, OMIM 609200.

Submission:

Labcorp Genetics (formerly Invitae), Labcorp
Classification: Uncertain significance for Myofibrillar myopathy 3. Last evaluated: 2025-05-18. Review status: criteria provided, single submitter. Criteria: Invitae Variant Classification Sherloc (09022015). Collection method: clinical testing. Allele origin: germline.
Comment: This sequence change replaces glycine, which is neutral and non-polar, with alanine, which is neutral and non-polar, at codon 430 of the MYOT protein (p.Gly430Ala). This variant is not present in population databases (gnomAD no frequency). This variant has not been reported in the literature in individuals affected with MYOT-related conditions. Invitae Evidence Modeling of protein sequence and biophysical properties (such as structural, functional, and spatial information, amino acid conservation, physicochemical variation, residue mobility, and thermodynamic stability) indicates that this missense variant is expected to disrupt MYOT protein function with a positive predictive value of 80%. In summary, the available evidence is currently insufficient to determine the role of this variant in disease. Therefore, it has been classified as a Variant of Uncertain Significance.